The following is an entry in ClinVar:

ClinVar aggregate classification (germline): Likely pathogenic (1 of 4 stars; one submission).

Conditions:
Familial cancer of breast. Also called: hereditary breast carcinoma; BREAST CANCER, FAMILIAL; Hereditary breast cancer. Identifiers: Orphanet 227535, MedGen C0346153, MONDO:0016419, OMIM 114480. Disease mechanism: loss of function.

Submission:

Labcorp Genetics (formerly Invitae), Labcorp
Classification: Likely pathogenic for Familial cancer of breast. Last evaluated: 2021-02-28. Review status: criteria provided, single submitter. Criteria: Invitae Variant Classification Sherloc (09022015). Collection method: clinical testing. Allele origin: germline.
Comment: This variant is not present in population databases (ExAC no frequency). This variant results in the deletion of part of exon 8 (c.903_908+26del) of the CHEK2 gene. It is expected to disrupt RNA splicing. Variants that disrupt the donor or acceptor splice site typically lead to a loss of protein function (PMID: 16199547), and loss-of-function variants in CHEK2 are known to be pathogenic (PMID: 21876083, 24713400). This variant has not been reported in the literature in individuals with CHEK2-related conditions. Algorithms developed to predict the effect of sequence changes on RNA splicing suggest that this variant may disrupt the consensus splice site, but this prediction has not been confirmed by published transcriptional studies. In summary, the currently available evidence indicates that the variant is pathogenic, but additional data are needed to prove that conclusively. Therefore, this variant has been classified as Likely Pathogenic.

Literature cited by the submitters: PubMed 16199547; PubMed 21876083; PubMed 24713400.

NM_007194.4(CHEK2):c.903_908+26del

Gene: CHEK2 (checkpoint kinase 2; minus strand). Cytogenetic location: 22q12.1.
Variant type: Deletion.
Coding change: c.903_908+26del on transcript NM_007194.4 (MANE Select); coding-DNA position 903 through 26 bases into the intron after coding-DNA position 908, 32 bases deleted.
Molecular consequence: splice donor variant.
Genome position (GRCh38, 1-based): chr22:28,703,479-28,703,510, 32 bases deleted; deleting any 32 consecutive bases within chr22:28,703,479-28,703,513 gives the same sequence; the c. name uses the placement nearest the transcript's 3' end. GRCh37 (hg19): chr22:29,099,470-29,099,501.
Other names: c.240_245+26del (NM_001437942.1, NM_001257387.3); c.702_707+26del (NM_001349956.3); c.903_908+26del (NM_145862.3); c.996_1001+26del (NM_001438295.1, NM_001438293.1); c.1032_1037+26del (NM_001438294.1, NM_001005735.3).
Identifiers: ClinVar variation 1523845 (VCV001523845.7), dbSNP rs2145876249, ClinGen allele CA2573158035.